The following is an entry in ClinVar:

ClinVar aggregate classification (germline): Uncertain significance (1 of 4 stars; one submission).

Conditions:
Inborn genetic diseases. Identifiers: MedGen C0950123, MeSH D030342.

Submission:

Ambry Genetics
Classification: Uncertain significance for Inborn genetic diseases. Last evaluated: 2021-08-21. Review status: criteria provided, single submitter. Criteria: Ambry Variant Classification Scheme 2023. Collection method: clinical testing. Allele origin: germline.
Comment: The p.N431D variant (also known as c.1291A>G), located in coding exon 12 of the LRRK2 gene, results from an A to G substitution at nucleotide position 1291. The asparagine at codon 431 is replaced by aspartic acid, an amino acid with highly similar properties. This amino acid position is conserved. In addition, this alteration is predicted to be tolerated by in silico analysis. Since supporting evidence is limited at this time, the clinical significance of this alteration remains unclear.

NM_198578.4(LRRK2):c.1291A>G (p.Asn431Asp)

Gene: LRRK2 (leucine rich repeat kinase 2; plus strand). Cytogenetic location: 12q12.
Variant type: single nucleotide variant.
Coding change: c.1291A>G on transcript NM_198578.4 (MANE Select); coding-DNA position 1291, A replaced by G.
Protein change: p.Asn431Asp; replaces asparagine 431 with aspartic acid.
Molecular consequence: missense variant.
Genome position (GRCh38, 1-based): chr12:40,257,250, A>G. VCF-style: chr12-40257250-A-G. GRCh37 (hg19) VCF-style: chr12-40651052-A-G.
Other names: short protein forms N431D.
Identifiers: ClinVar variation 1769102 (VCV001769102.2), dbSNP rs2499537371, ClinGen allele CA384410375.